The following is an entry in ClinVar:

ClinVar aggregate classification (germline): Uncertain significance (1 of 4 stars; one submission).

Conditions:
SEMA3F-related disorder. Also called: SEMA3F-related condition.

Submission:

PreventionGenetics, part of Exact Sciences
Classification: Uncertain significance for SEMA3F-related condition. Last evaluated: 2026-05-16. Review status: criteria provided, single submitter. Criteria: ACMG Guidelines, 2015. Collection method: clinical testing. Allele origin: germline.
Comment: The SEMA3F c.1012G>A variant is predicted to result in the amino acid substitution p.Glu338Lys. To our knowledge, this variant has not been reported in the literature or in a large population database (gnomAD), indicating this variant is rare. At this time, the clinical significance of this variant is uncertain due to the absence of conclusive functional and genetic evidence.

NM_004186.5(SEMA3F):c.1012G>A (p.Glu338Lys)

Gene: SEMA3F (semaphorin 3F; plus strand). Cytogenetic location: 3p21.31.
Variant type: single nucleotide variant.
Coding change: c.1012G>A on transcript NM_004186.5 (MANE Select); coding-DNA position 1012, G replaced by A.
Protein change: p.Glu338Lys; replaces glutamic acid 338 with lysine.
Molecular consequence: missense variant.
Genome position (GRCh38, 1-based): chr3:50,183,012, G>A. VCF-style: chr3-50183012-G-A. GRCh37 (hg19) VCF-style: chr3-50220445-G-A.
Other names: c.715G>A, p.Glu239Lys (NM_001318798.2); c.919G>A, p.Glu307Lys (NM_001318800.2); short protein forms E307K, E239K, E338K.
Identifiers: ClinVar variation 4978251 (VCV004978251.1).